The following is an entry in ClinVar:

NM_006904.7(PRKDC):c.10637C>G (p.Ser3546Cys)

Gene: PRKDC (protein kinase, DNA-activated, catalytic subunit; minus strand). Cytogenetic location: 8q11.21.
Variant type: single nucleotide variant.
Coding change: c.10637C>G on transcript NM_006904.7 (MANE Select); coding-DNA position 10637, C replaced by G.
Protein change: p.Ser3546Cys; replaces serine 3546 with cysteine.
Molecular consequence: missense variant.
Genome position (GRCh38, 1-based): chr8:47,794,323, G>C on the plus strand (C>G on the coding strand, the complement: PRKDC is on the minus strand). VCF-style: chr8-47794323-G-C. GRCh37 (hg19) VCF-style: chr8-48706884-G-C.
Other names: c.10637C>G, p.Ser3546Cys (NM_001081640.2); short protein forms S3546C.
Identifiers: ClinVar variation 961134 (VCV000961134.5), dbSNP rs2086939960, ClinGen allele CA371133616.

ClinVar aggregate classification (germline): Uncertain significance (1 of 4 stars; one submission).

Conditions:
Severe combined immunodeficiency due to DNA-PKcs deficiency. Also called: IMMUNODEFICIENCY 26 WITH NEUROLOGIC ABNORMALITIES; Immunodeficiency 26 with or without neurologic abnormalities. Identifiers: Orphanet 317425, MedGen C4014833, MONDO:0014423, OMIM 615966.

Allele frequency attached by ClinVar (database versions not stated): TOPMed below 0.00001.

Submission:

Labcorp Genetics (formerly Invitae), Labcorp
Classification: Uncertain significance for Severe combined immunodeficiency due to DNA-PKcs deficiency. Last evaluated: 2019-10-14. Review status: criteria provided, single submitter. Criteria: Invitae Variant Classification Sherloc (09022015). Collection method: clinical testing. Allele origin: germline.
Comment: This variant is not present in population databases (ExAC no frequency). This sequence change replaces serine with cysteine at codon 3546 of the PRKDC protein (p.Ser3546Cys). The serine residue is moderately conserved and there is a moderate physicochemical difference between serine and cysteine. This variant has not been reported in the literature in individuals with PRKDC-related conditions. In summary, the available evidence is currently insufficient to determine the role of this variant in disease. Therefore, it has been classified as a Variant of Uncertain Significance. Algorithms developed to predict the effect of missense changes on protein structure and function are either unavailable or do not agree on the potential impact of this missense change (SIFT: "Tolerated"; PolyPhen-2: "Not Available"; Align-GVGD: "Class C15").